The following is an entry in ClinVar:

NM_000168.6(GLI3):c.3437_3453del (p.Leu1146fs)

Gene: GLI3 (GLI family zinc finger 3; minus strand). Cytogenetic location: 7p14.1.
Variant type: Deletion.
Coding change: c.3437_3453del on transcript NM_000168.6 (MANE Select); coding-DNA positions 3437 to 3453, 17 bases deleted (TCGAGCAGCCCTGCCCC).
Protein change: p.Leu1146fs; shifts the reading frame from leucine 1146.
Molecular consequence: frameshift variant.
Genome position (GRCh38, 1-based): chr7:41,965,620-41,965,636, GGGGCAGGGCTGCTCGA deleted on the plus strand (TCGAGCAGCCCTGCCCC on the coding strand, the reverse complement: GLI3 is on the minus strand); deleting any 17 consecutive bases within chr7:41,965,620-41,965,639 gives the same sequence; the c. name uses the placement nearest the transcript's 3' end. VCF-style (leftmost placement, unchanged base first): chr7-41965619-CGGGGCAGGGCTGCTCGA-C. GRCh37 (hg19) VCF-style: chr7-42005217-CGGGGCAGGGCTGCTCGA-C.
Other names: c.3437_3453del17 (NM_000168.5); short protein forms L1146fs.
Identifiers: ClinVar variation 1323018 (VCV001323018.7), dbSNP rs2128705618, ClinGen allele CA2573052873.

ClinVar aggregate classification (germline): Pathogenic. Review status: criteria provided, multiple submitters, no conflicts (2 of 4 stars). 3 submissions from 3 submitters: Pathogenic (2). 1 of the submissions does not count toward it. Last evaluated 2025-01-06.

Conditions:
Greig cephalopolysyndactyly syndrome (GCPS). Also called: POLYSYNDACTYLY WITH PECULIAR SKULL SHAPE; Greig syndrome; GLI3-Related Greig Cephalopolysyndactyly Syndrome. Identifiers: Orphanet 380, MedGen C0265306, MONDO:0008287, OMIM 175700.
Pallister-Hall syndrome (PHS). Also called: HYPOTHALAMIC HAMARTOBLASTOMA, HYPOPITUITARISM, IMPERFORATE ANUS, AND POSTAXIAL POLYDACTYLY; GLI3-Related Pallister-Hall Syndrome. Identifiers: Orphanet 672, MedGen C0265220, MONDO:0007804, OMIM 146510.
GLI3-related disorder. Also called: GLI3-related condition; GLI3-related disorders. Identifiers: MedGen CN239292.

Submissions (3):

Labcorp Genetics (formerly Invitae), Labcorp
Classification: Pathogenic for Pallister-Hall syndrome; Greig cephalopolysyndactyly syndrome. Last evaluated: 2025-01-06. Review status: criteria provided, single submitter. Criteria: Invitae Variant Classification Sherloc (09022015). Collection method: clinical testing. Allele origin: germline.
Comment: This sequence change creates a premature translational stop signal (p.Leu1146Argfs*95) in the GLI3 gene. While this is not anticipated to result in nonsense mediated decay, it is expected to disrupt the last 435 amino acid(s) of the GLI3 protein. This variant is not present in population databases (gnomAD no frequency). This premature translational stop signal has been observed in individual(s) with clinical features of GLI3-related conditions (PMID: 12794692, 30848202). ClinVar contains an entry for this variant (Variation ID: 1323018). This variant disrupts a region of the GLI3 protein in which other variant(s) (p.Thr1488Lysfs*23) have been determined to be pathogenic (PMID: 24736735). This suggests that this is a clinically significant region of the protein, and that variants that disrupt it are likely to be disease-causing. For these reasons, this variant has been classified as Pathogenic.

Revvity Omics, Revvity
Classification: Pathogenic. Last evaluated: 2019-08-20. Review status: criteria provided, single submitter. Criteria: ACMG Guidelines, 2015. Collection method: clinical testing. Allele origin: germline.

PreventionGenetics, part of Exact Sciences
Classification: Pathogenic for GLI3-related condition. Last evaluated: 2024-05-28. Review status: no assertion criteria provided. Collection method: clinical testing. Allele origin: germline. Not counted in ClinVar's aggregate classification.
Comment: The GLI3 c.3437_3453del17 variant is predicted to result in a frameshift and premature protein termination (p.Leu1146Argfs*95). This variant was reported in at least one individual with Greig cephalopolysyndactyly syndrome (see example: Debeer et al. 2003. PubMed ID: 12794692). This variant has not been reported in a large population database, indicating this variant is rare. Frameshift variants in GLI3 are expected to be pathogenic. This variant is interpreted as pathogenic.

Literature cited by the submitters: PubMed 12794692 (cited by Labcorp Genetics (formerly Invitae), Labcorp); PubMed 30848202 (cited by Labcorp Genetics (formerly Invitae), Labcorp); PubMed 24736735 (cited by Labcorp Genetics (formerly Invitae), Labcorp).